The following is an entry in ClinVar:

ClinVar aggregate classification (germline): Uncertain significance. Review status: criteria provided, multiple submitters, no conflicts (2 of 4 stars). 3 submissions from 3 submitters: Uncertain significance (3). Last evaluated 2023-10-29.

Conditions:
Hereditary breast ovarian cancer syndrome. Also called: Breast and ovarian cancer; Hereditary breast and/or ovarian cancer syndrome; BRCA1- and BRCA2-Associated Hereditary Breast and Ovarian Cancer; Hereditary breast and ovarian cancer syndrome; Hereditary breast and ovarian cancer syndrome (HBOC); Hereditary breast and ovarian cancer. Identifiers: Orphanet 145, MedGen C0677776, MeSH D061325, MONDO:0003582. Disease mechanism: loss of function.
Breast-ovarian cancer, familial, susceptibility to, 1 (BROVCA1). Also called: BRCA1 Hereditary Breast and Ovarian Cancer; OVARIAN CANCER, SUSCEPTIBILITY TO. Identifiers: Orphanet 145, MedGen C2676676, MONDO:0011450, OMIM 604370. Disease mechanism: loss of function.

Submissions (3):

Baylor Genetics
Classification: Uncertain significance for Breast-ovarian cancer, familial, susceptibility to, 1. Last evaluated: 2023-10-29. Review status: criteria provided, single submitter. Criteria: ACMG Guidelines, 2015. Collection method: clinical testing. Allele origin: unknown.

Labcorp Genetics (formerly Invitae), Labcorp
Classification: Uncertain significance for Hereditary breast ovarian cancer syndrome. Last evaluated: 2022-04-17. Review status: criteria provided, single submitter. Criteria: Invitae Variant Classification Sherloc (09022015). Collection method: clinical testing. Allele origin: germline.
Comment: In summary, the available evidence is currently insufficient to determine the role of this variant in disease. Therefore, it has been classified as a Variant of Uncertain Significance. Advanced modeling of protein sequence and biophysical properties (such as structural, functional, and spatial information, amino acid conservation, physicochemical variation, residue mobility, and thermodynamic stability) performed at Invitae indicates that this missense variant is not expected to disrupt BRCA1 protein function. ClinVar contains an entry for this variant (Variation ID: 531324). This variant has not been reported in the literature in individuals affected with BRCA1-related conditions. This variant is not present in population databases (gnomAD no frequency). This sequence change replaces proline, which is neutral and non-polar, with threonine, which is neutral and polar, at codon 1464 of the BRCA1 protein (p.Pro1464Thr).

Mendelics
Classification: Uncertain significance for Hereditary breast and ovarian cancer syndrome. Last evaluated: 2018-07-02. Review status: criteria provided, single submitter. Criteria: Mendelics Assertion Criteria 2017. Collection method: clinical testing. Allele origin: unknown.

NM_007294.4(BRCA1):c.4390C>A (p.Pro1464Thr)

Gene: BRCA1 (BRCA1 DNA repair associated; minus strand). Cytogenetic location: 17q21.31.
Variant type: single nucleotide variant.
Coding change: c.4390C>A on transcript NM_007294.4 (MANE Select); coding-DNA position 4390, C replaced by A.
Protein change: p.Pro1464Thr; replaces proline 1464 with threonine.
Molecular consequence: missense variant. On other transcripts: non-coding transcript variant (1).
Genome position (GRCh38, 1-based): chr17:43,076,582, G>T on the plus strand (C>A on the coding strand, the complement: BRCA1 is on the minus strand). VCF-style: chr17-43076582-G-T. GRCh37 (hg19) VCF-style: chr17-41228599-G-T.
Other names: c.955C>A, p.Pro319Thr (NM_001408438.1, NM_001408439.1, NM_001408440.1 and 10 more transcripts); c.952C>A, p.Pro318Thr (NM_001408445.1, NM_001408446.1, NM_001408447.1 and 2 more transcripts); c.946C>A, p.Pro316Thr (NM_001408451.1); c.940C>A, p.Pro314Thr (NM_001408452.1, NM_001408453.1, NM_001408454.1 and 3 more transcripts); c.937C>A, p.Pro313Thr (NM_001408458.1, NM_001408459.1, NM_001408460.1 and 7 more transcripts); c.934C>A, p.Pro312Thr (NM_001408468.1, NM_001408469.1, NM_001408470.1); c.1078C>A, p.Pro360Thr (NM_001408472.1, NM_007298.4, NM_007299.4 and 13 more transcripts); c.1075C>A, p.Pro359Thr (NM_001408473.1, NM_001408392.1, NM_001408396.1 and 8 more transcripts); and 68 more; short protein forms P1464T, P1417T, P1485T, P360T, P336T, P358T, P382T, P1351T.
Identifiers: ClinVar variation 531324 (VCV000531324.11), dbSNP rs1259139517, ClinGen allele CA10592758.